The following is an entry in ClinVar:

ClinVar aggregate classification (germline): Uncertain significance (1 of 4 stars; one submission).

Conditions:
Autosomal dominant nocturnal frontal lobe epilepsy 5. Also called: KCNT1-Related Epilepsy; CILIARY DYSKINESIA, PRIMARY, 28, WITHOUT SITUS INVERSUS; CILIARY DYSKINESIA, PRIMARY, 28, WITH SITUS INVERSUS; Epilepsy, nocturnal frontal lobe, 5. Identifiers: Orphanet 98784, MedGen C3554306, MONDO:0014002, OMIM 615005.
Developmental and epileptic encephalopathy, 14 (DEE14). Also called: Early infantile epileptic encephalopathy 14. Identifiers: Orphanet 293181, MedGen C3554195, MONDO:0013989, OMIM 614959.

gnomAD v4.1: 1 of 1,612,724 alleles (0.000062%); highest among the groups gnomAD compares: East Asian, 0.0022%; no homozygotes.

Submission:

Labcorp Genetics (formerly Invitae), Labcorp
Classification: Uncertain significance for Autosomal dominant nocturnal frontal lobe epilepsy 5; Developmental and epileptic encephalopathy, 14. Last evaluated: 2024-10-20. Review status: criteria provided, single submitter. Criteria: Invitae Variant Classification Sherloc (09022015). Collection method: clinical testing. Allele origin: germline.
Comment: This sequence change replaces serine, which is neutral and polar, with threonine, which is neutral and polar, at codon 1033 of the KCNT1 protein (p.Ser1033Thr). This variant is not present in population databases (gnomAD no frequency). This variant has not been reported in the literature in individuals affected with KCNT1-related conditions. Invitae Evidence Modeling of protein sequence and biophysical properties (such as structural, functional, and spatial information, amino acid conservation, physicochemical variation, residue mobility, and thermodynamic stability) indicates that this missense variant is not expected to disrupt KCNT1 protein function with a negative predictive value of 80%. In summary, the available evidence is currently insufficient to determine the role of this variant in disease. Therefore, it has been classified as a Variant of Uncertain Significance.

NM_020822.3(KCNT1):c.3098G>C (p.Ser1033Thr)

Gene: KCNT1 (potassium sodium-activated channel subfamily T member 1; plus strand). Cytogenetic location: 9q34.3.
Variant type: single nucleotide variant.
Coding change: c.3098G>C on transcript NM_020822.3 (MANE Select); coding-DNA position 3098, G replaced by C.
Protein change: p.Ser1033Thr; replaces serine 1033 with threonine.
Molecular consequence: missense variant.
Genome position (GRCh38, 1-based): chr9:135,784,831, G>C. VCF-style: chr9-135784831-G-C. GRCh37 (hg19) VCF-style: chr9-138676677-G-C.
Other names: c.2963G>C, p.Ser988Thr (NM_001272003.2); short protein forms S1033T, S988T.
Identifiers: ClinVar variation 3749999 (VCV003749999.2).
Genomic context (GRCh38, chr9:135,784,831, plus strand): 5'-CCGAGGGCGACCTGTGGATCCGCACGTACGGCCGCCTCTTCCAGAAGCTCTGCTCCTCCA[G>C]CGCCGAGATCCCCATTGGCATCTACCGGACAGAGAGCCACGTCTTCTCCACCTCGGAGGT-3'
Protein context (NP_065873.2, residues 1023-1043): GRLFQKLCSS[Ser1033Thr]AEIPIGIYRT